The following is an entry in ClinVar:

ClinVar aggregate classification (germline): Uncertain significance. Review status: criteria provided, multiple submitters, no conflicts (2 of 4 stars). 3 submissions from 3 submitters: Uncertain significance (3). Last evaluated 2021-07-06.

Conditions:
Inborn genetic diseases. Identifiers: MedGen C0950123, MeSH D030342.
Joubert syndrome 17 (JBTS17). Identifiers: Orphanet 475, MedGen C3553264, MONDO:0013824, OMIM 614615.
Orofaciodigital syndrome type 6 (OFD6). Also called: Oral-facial-digital syndrome type 6; Central polydactyly cleft lip/palate or lingual lump and psychomotor retardation; Y-shaped central metacarpal and cerebellar defect; Joubert syndrome with orofacialdigital anomalies; OROFACIODIGITAL SYNDROME VI; OFDS VI. Identifiers: Orphanet 2754, MedGen C2745997, MONDO:0010176, OMIM 277170.

Allele frequency attached by ClinVar (database versions not stated): gnomAD exomes 0.00001 and 0.00002; ExAC 0.00003.
gnomAD v4.1: 19 of 1,613,474 alleles (0.0012%); highest among the groups gnomAD compares: South Asian, 0.02%; no homozygotes.

Submissions (3):

Ambry Genetics
Classification: Uncertain significance for Inborn genetic diseases. Last evaluated: 2021-07-06. Review status: criteria provided, single submitter. Criteria: Ambry Variant Classification Scheme 2023. Collection method: clinical testing. Allele origin: germline.

Labcorp Genetics (formerly Invitae), Labcorp
Classification: Uncertain significance for Orofaciodigital syndrome type 6; Joubert syndrome 17. Last evaluated: 2017-08-11. Review status: criteria provided, single submitter. Criteria: Invitae Variant Classification Sherloc (09022015). Collection method: clinical testing. Allele origin: germline.
Comment: This sequence change replaces serine with leucine at codon 1631 of the C5orf42 protein (p.Ser1631Leu). The serine residue is moderately conserved and there is a large physicochemical difference between serine and leucine. This variant is present in population databases (rs748759724, ExAC 0.02%). This variant has not been reported in the literature in individuals with C5orf42-related disease. ClinVar contains an entry for this variant (Variation ID: 389868). Algorithms developed to predict the effect of missense changes on protein structure and function output the following: SIFT: "Tolerated"; PolyPhen-2: "Benign"; Align-GVGD: "Class C0". The leucine amino acid residue is found in multiple mammalian species, suggesting that this missense change does not adversely affect protein function. These predictions have not been confirmed by published functional studies and their clinical significance is uncertain. In summary, the available evidence is currently insufficient to determine the role of this variant in disease. Therefore, it has been classified as a Variant of Uncertain Significance.

GeneDx
Classification: Uncertain significance. Last evaluated: 2016-10-17. Review status: criteria provided, single submitter. Criteria: GeneDx Variant Classification (06012015). Collection method: clinical testing. Allele origin: germline. Affected: yes.
Comment: The S1631L variant in the C5orf42 gene has not been reported previously as a pathogenic variant, nor as a benign variant, to our knowledge. The S1631L variant was not observed in approximately 6,500 individuals of European and African American ancestry in the NHLBI Exome Sequencing Project, indicating it is not a common benign variant in these populations. The S1631L variant is a non-conservative amino acid substitution, which is likely to impact secondary protein structure as these residues differ in polarity, charge, size and/or other properties. This substitution occurs at a position that is not conserved. In silico analysis is inconsistent in its predictions as to whether or not the variant is damaging to the protein structure/function. We interpret S1631L as a variant of uncertain significance.

NM_001384732.1(CPLANE1):c.4892C>T (p.Ser1631Leu)

Gene: CPLANE1 (ciliogenesis and planar polarity effector complex subunit 1; minus strand). Cytogenetic location: 5p13.2.
Variant type: single nucleotide variant.
Coding change: c.4892C>T on transcript NM_001384732.1 (MANE Select); coding-DNA position 4892, C replaced by T.
Protein change: p.Ser1631Leu; replaces serine 1631 with leucine.
Molecular consequence: missense variant.
Genome position (GRCh38, 1-based): chr5:37,183,289, G>A on the plus strand (C>T on the coding strand, the complement: CPLANE1 is on the minus strand). VCF-style: chr5-37183289-G-A. GRCh37 (hg19) VCF-style: chr5-37183391-G-A.
Other names: c.4892C>T, p.Ser1631Leu (NM_023073.4); short protein forms S1631L.
Identifiers: ClinVar variation 389868 (VCV000389868.3), dbSNP rs748759724, ClinGen allele CA3238637.
Genomic context (GRCh38, chr5:37,183,289, plus strand): 5'-ACTGATGATGAAAGTTTCTGGTTTTCTAAATGCATGCCATATTCATCATTTAAAGAGGAT[G>A]ATTTTTCTGATTCATAGGACTCAGGAGCAACAACAAAGCAAGAACCAGCTCTAAACACAT-3'
Protein context (NP_001371661.1, residues 1621-1641): VAPESYESEK[Ser1631Leu]SSLNDEYGMH